The following is an entry in ClinVar:

ClinVar aggregate classification (germline): Pathogenic/Likely pathogenic. Review status: criteria provided, multiple submitters, no conflicts (2 of 4 stars). 3 submissions from 3 submitters: Pathogenic (2); Likely pathogenic (1). Last evaluated 2024-01-17.

Conditions:
Familial thoracic aortic aneurysm and aortic dissection (TAAD). Also called: Thoracic aortic aneurysms and dissections. Identifiers: Orphanet 91387, MedGen C4707243, MONDO:0019625.
Marfan syndrome (MFS). Also called: Marfan syndrome type 1; Marfan's syndrome; Marfan syndrome, classic; MARFAN SYNDROME, TYPE I; FBN1-Related Marfan Syndrome. Identifiers: Orphanet 284963, Orphanet 558, MedGen C0024796, MONDO:0007947, OMIM 154700.
FBN1-related disorder. Also called: FBN1-related disorders.

Submissions (3):

Clinical Genetics Laboratory, Skane University Hospital Lund
Classification: Likely pathogenic. Last evaluated: 2024-01-17. Review status: criteria provided, single submitter. Criteria: ACMG Guidelines, 2015. Collection method: clinical testing. Allele origin: germline. Affected: yes.

Blueprint Genetics
Classification: Pathogenic for FBN1-related disorders. Last evaluated: 2022-10-28. Review status: criteria provided, single submitter. Criteria: ACMG Guidelines, 2015. Collection method: clinical testing. Allele origin: germline. Affected: yes. Observed: 1 variant allele.

Labcorp Genetics (formerly Invitae), Labcorp
Classification: Pathogenic for Marfan syndrome; Familial thoracic aortic aneurysm and aortic dissection. Last evaluated: 2022-08-03. Review status: criteria provided, single submitter. Criteria: Invitae Variant Classification Sherloc (09022015). Collection method: clinical testing. Allele origin: germline.
Comment: ClinVar contains an entry for this variant (Variation ID: 1070369). For these reasons, this variant has been classified as Pathogenic. This sequence change creates a premature translational stop signal (p.Cys1577*) in the FBN1 gene. It is expected to result in an absent or disrupted protein product. Loss-of-function variants in FBN1 are known to be pathogenic (PMID: 17657824, 19293843). This variant is not present in population databases (gnomAD no frequency). This variant has not been reported in the literature in individuals affected with FBN1-related conditions.

Literature cited by the submitters: PubMed 17657824 (cited by Labcorp Genetics (formerly Invitae), Labcorp); PubMed 19293843 (cited by Labcorp Genetics (formerly Invitae), Labcorp).

NM_000138.5(FBN1):c.4731T>A (p.Cys1577Ter)

Gene: FBN1 (fibrillin 1; minus strand). Cytogenetic location: 15q21.1.
Variant type: single nucleotide variant.
Coding change: c.4731T>A on transcript NM_000138.5 (MANE Select); coding-DNA position 4731, T replaced by A.
Protein change: p.Cys1577Ter; replaces cysteine 1577 with a stop codon.
Molecular consequence: nonsense.
Genome position (GRCh38, 1-based): chr15:48,467,954, A>T on the plus strand (T>A on the coding strand, the complement: FBN1 is on the minus strand). VCF-style: chr15-48467954-A-T. GRCh37 (hg19) VCF-style: chr15-48760151-A-T.
Other names: short protein forms C1577*.
Identifiers: ClinVar variation 1070369 (VCV001070369.9), dbSNP rs2141272261, ClinGen allele CA392352765.